The following is an entry in ClinVar:

NM_018389.5(SLC35C1):c.890A>G (p.Asn297Ser)

Gene: SLC35C1 (solute carrier family 35 member C1; plus strand). Cytogenetic location: 11p11.2.
Variant type: single nucleotide variant.
Coding change: c.890A>G on transcript NM_018389.5 (MANE Select); coding-DNA position 890, A replaced by G.
Protein change: p.Asn297Ser; replaces asparagine 297 with serine.
Molecular consequence: missense variant.
Genome position (GRCh38, 1-based): chr11:45,811,130, A>G. VCF-style: chr11-45811130-A-G. GRCh37 (hg19) VCF-style: chr11-45832681-A-G.
Other names: c.851A>G, p.Asn284Ser (NM_001145265.2, NM_001145266.2); short protein forms N284S, N297S.
Identifiers: ClinVar variation 649048 (VCV000649048.15), dbSNP rs756683159, ClinGen allele CA5958352.

ClinVar aggregate classification (germline): Uncertain significance. Review status: criteria provided, multiple submitters, no conflicts (2 of 4 stars). 4 submissions from 4 submitters: Uncertain significance (4). Last evaluated 2024-02-28.

Conditions:
Inborn genetic diseases. Identifiers: MedGen C0950123, MeSH D030342.
Leukocyte adhesion deficiency type II. Also called: CDG IIc; CONGENITAL DISORDER OF GLYCOSYLATION, TYPE IIc; Congenital disorder of glycosylation type 2C; CDG 2C; Leukocyte adhesion deficiency type 2; Rambam Hasharon syndrome. Identifiers: Orphanet 2968, Orphanet 99843, MedGen C0398739, MONDO:0009953, OMIM 266265.

Allele frequency attached by ClinVar (database versions not stated): ExAC 0.00004; gnomAD exomes 0.00004 and 0.00005; gnomAD 0.00005 and 0.00006; TOPMed 0.00005.
gnomAD v4.1: 63 of 1,612,244 alleles (0.0039%); highest among the groups gnomAD compares: Admixed American, 0.0083%; no homozygotes.

Submissions (4):

Ambry Genetics
Classification: Uncertain significance for Inborn genetic diseases. Last evaluated: 2024-02-28. Review status: criteria provided, single submitter. Criteria: Ambry Variant Classification Scheme 2023. Collection method: clinical testing. Allele origin: germline.

Labcorp Genetics (formerly Invitae), Labcorp
Classification: Uncertain significance for Leukocyte adhesion deficiency type II. Last evaluated: 2024-01-08. Review status: criteria provided, single submitter. Criteria: Invitae Variant Classification Sherloc (09022015). Collection method: clinical testing. Allele origin: germline.
Comment: This sequence change replaces asparagine, which is neutral and polar, with serine, which is neutral and polar, at codon 297 of the SLC35C1 protein (p.Asn297Ser). This variant is present in population databases (rs756683159, gnomAD 0.01%). This variant has not been reported in the literature in individuals affected with SLC35C1-related conditions. ClinVar contains an entry for this variant (Variation ID: 649048). Advanced modeling of protein sequence and biophysical properties (such as structural, functional, and spatial information, amino acid conservation, physicochemical variation, residue mobility, and thermodynamic stability) performed at Invitae indicates that this missense variant is not expected to disrupt SLC35C1 protein function with a negative predictive value of 80%. In summary, the available evidence is currently insufficient to determine the role of this variant in disease. Therefore, it has been classified as a Variant of Uncertain Significance.

Fulgent Genetics
Classification: Uncertain significance for Leukocyte adhesion deficiency type II. Last evaluated: 2022-02-04. Review status: criteria provided, single submitter. Criteria: ACMG Guidelines, 2015. Collection method: clinical testing. Allele origin: unknown.

Illumina Laboratory Services, Illumina
Classification: Uncertain significance for Leukocyte adhesion deficiency type II. Last evaluated: 2017-04-27. Review status: criteria provided, single submitter. Criteria: ICSL Variant Classification Criteria 13 December 2019. Collection method: clinical testing. Allele origin: germline.